The following is an entry in ClinVar:

ClinVar aggregate classification (germline): Benign. Review status: criteria provided, multiple submitters, no conflicts (2 of 4 stars). 3 submissions from 3 submitters: Benign (3). Last evaluated 2026-02-01.

Conditions:
Epidermodysplasia verruciformis. Identifiers: Orphanet 302, MedGen C0014522, MONDO:0009176.

Allele frequency attached by ClinVar (database versions not stated): 1000 Genomes Project 30x 0.00250; gnomAD 0.00612 and 0.00591; TOPMed 0.00566; gnomAD exomes 0.00650 and 0.00799; 1000 Genomes Project 0.00220; ESP Exome Variant Server 0.00528; ExAC 0.01526.
gnomAD v4.1: 12,185 of 1,565,190 alleles (0.78%); highest among the groups gnomAD compares: Non-Finnish European, 0.87%; 59 homozygotes.

Submissions (3):

Labcorp Genetics (formerly Invitae), Labcorp
Classification: Benign for Epidermodysplasia verruciformis. Last evaluated: 2026-02-01. Review status: criteria provided, single submitter. Criteria: Invitae Variant Classification Sherloc (09022015). Collection method: clinical testing. Allele origin: germline.

CeGaT Center for Human Genetics Tuebingen
Classification: Benign. Last evaluated: 2023-04-01. Review status: criteria provided, single submitter. Criteria: CeGaT Center For Human Genetics Tuebingen Variant Classification Criteria Version 2. Collection method: clinical testing. Allele origin: germline. Affected: yes. Observed: 3 variant alleles.
Comment: TMC8: BP4, BP7, BS1, BS2

Breakthrough Genomics
Classification: Benign. Review status: criteria provided, single submitter. Criteria: ACMG Guidelines, 2015. Collection method: not provided. Allele origin: germline. Inheritance: Autosomal recessive inheritance. Affected: yes.

NM_152468.5(TMC8):c.69G>A (p.Glu23=)

Genes: TMC6 (transmembrane channel like 6; minus strand), TMC8 (transmembrane channel like 8; plus strand), LOC130061792 (ATAC-STARR-seq lymphoblastoid silent region 9043; plus strand). Cytogenetic location: 17q25.3.
Variant type: single nucleotide variant.
Coding change: c.69G>A on transcript NM_152468.5 (MANE Select); coding-DNA position 69, G replaced by A.
Protein change: p.Glu23=; no amino-acid change (glutamic acid 23 retained).
Molecular consequence: synonymous variant. On other transcripts: intron variant (1).
Genome position (GRCh38, 1-based): chr17:78,131,657, G>A. VCF-style: chr17-78131657-G-A. GRCh37 (hg19) VCF-style: chr17-76127738-G-A.
Other names: c.-75+684C>T (NM_007267.7).
Identifiers: ClinVar variation 1166987 (VCV001166987.35), dbSNP rs35748721, ClinGen allele CA8796327.